The following is an entry in ClinVar:

NM_206937.2(LIG4):c.797A>C (p.Gln266Pro)

Gene: LIG4 (DNA ligase 4; minus strand). Cytogenetic location: 13q33.3.
Variant type: single nucleotide variant.
Coding change: c.797A>C on transcript NM_206937.2 (MANE Select); coding-DNA position 797, A replaced by C.
Protein change: p.Gln266Pro; replaces glutamine 266 with proline.
Molecular consequence: missense variant.
Genome position (GRCh38, 1-based): chr13:108,210,472, T>G on the plus strand (A>C on the coding strand, the complement: LIG4 is on the minus strand). VCF-style: chr13-108210472-T-G. GRCh37 (hg19) VCF-style: chr13-108862820-T-G.
Other names: c.797A>C, p.Gln266Pro (NM_001098268.2, NM_001352598.2, NM_001352599.2 and 6 more transcripts); c.596A>C, p.Gln199Pro (NM_001330595.2); c.833A>C, p.Gln278Pro (NM_001352604.2); short protein forms Q199P, Q266P, Q278P.
Identifiers: ClinVar variation 985774 (VCV000985774.4), dbSNP rs1878528082, ClinGen allele CA388620276.

ClinVar aggregate classification (germline): Uncertain significance (1 of 4 stars; one submission).

Conditions:
Inborn genetic diseases. Identifiers: MedGen C0950123, MeSH D030342.

Submission:

Ambry Genetics
Classification: Uncertain significance for Inborn genetic diseases. Last evaluated: 2020-03-17. Review status: criteria provided, single submitter. Criteria: Ambry Variant Classification Scheme 2023. Collection method: clinical testing. Allele origin: germline.
Comment: The alteration results in an amino acid change:_x000D_ _x000D_ The c.797A>C (p.Q266P) alteration is located in exon 2 (coding exon 1) of the LIG4 gene. This alteration results from an A to C substitution at nucleotide position 797, causing the glutamine (Q) at amino acid position 266 to be replaced by a proline (P). The alteration is not observed in population databases:_x000D_ _x000D_ Based on data from the Genome Aggregation Database (gnomAD), the LIG4 c.797A>C alteration was not observed, with coverage at this position. The altered amino acid is conserved throughout evolution:_x000D_ _x000D_ The p.Q266 amino acid is conserved in available vertebrate species. The alteration is predicted tolerated by in silico modeling:_x000D_ _x000D_ The p.Q266P alteration is predicted to be tolerated by in silico analysis. Based on insufficient or conflicting evidence, the clinical significance of this alteration remains unclear.